The following is an entry in ClinVar:

ClinVar aggregate classification (germline): Likely benign (0 of 4 stars; one submission).

Conditions:
KIF26B-related disorder. Also called: KIF26B-related condition.

Allele frequency attached by ClinVar (database versions not stated): gnomAD 0.00003; gnomAD exomes 0.00003; ExAC 0.00005; TOPMed 0.00005.
gnomAD v4.1: 45 of 1,611,170 alleles (0.0028%); highest among the groups gnomAD compares: Admixed American, 0.0084%; no homozygotes.

Submission:

PreventionGenetics, part of Exact Sciences
Classification: Likely benign for KIF26B-related condition. Last evaluated: 2019-05-08. Review status: no assertion criteria provided. Collection method: clinical testing. Allele origin: germline.
Comment: This variant is classified as likely benign based on ACMG/AMP sequence variant interpretation guidelines (Richards et al. 2015 PMID: 25741868, with internal and published modifications).

NM_018012.4(KIF26B):c.651G>A (p.Ser217=)

Gene: KIF26B (kinesin family member 26B; plus strand). Cytogenetic location: 1q44.
Variant type: single nucleotide variant.
Coding change: c.651G>A on transcript NM_018012.4 (MANE Select); coding-DNA position 651, G replaced by A.
Protein change: p.Ser217=; no amino-acid change (serine 217 retained).
Molecular consequence: synonymous variant.
Genome position (GRCh38, 1-based): chr1:245,367,019, G>A. VCF-style: chr1-245367019-G-A. GRCh37 (hg19) VCF-style: chr1-245530321-G-A.
Identifiers: ClinVar variation 3038384 (VCV003038384.2), dbSNP rs745665621, ClinGen allele CA1487444.